The following is an entry in ClinVar:

NM_020738.4(KIDINS220):c.313T>G (p.Trp105Gly)

Gene: KIDINS220 (kinase D interacting substrate 220; minus strand). Cytogenetic location: 2p25.1.
Variant type: single nucleotide variant.
Coding change: c.313T>G on transcript NM_020738.4 (MANE Select); coding-DNA position 313, T replaced by G.
Protein change: p.Trp105Gly; replaces tryptophan 105 with glycine.
Molecular consequence: missense variant. On other transcripts: non-coding transcript variant (2).
Genome position (GRCh38, 1-based): chr2:8,813,329, A>C on the plus strand (T>G on the coding strand, the complement: KIDINS220 is on the minus strand). VCF-style: chr2-8813329-A-C. GRCh37 (hg19) VCF-style: chr2-8953459-A-C.
Other names: c.313T>G, p.Trp105Gly (NM_001348729.2, NM_001348731.2, NM_001348732.2 and 9 more transcripts); c.187T>G, p.Trp63Gly (NM_001348736.2); short protein forms W105G, W63G.
Identifiers: ClinVar variation 3349118 (VCV003349118.1).

ClinVar aggregate classification (germline): Uncertain significance (0 of 4 stars; one submission).

Conditions:
KIDINS220-related disorder. Also called: KIDINS220-related condition.

gnomAD v4.1: 1 of 1,609,948 alleles (0.000062%); highest among the groups gnomAD compares: South Asian, 0.0011%; no homozygotes.

Submission:

PreventionGenetics, part of Exact Sciences
Classification: Uncertain significance for KIDINS220-related condition. Last evaluated: 2024-02-08. Review status: no assertion criteria provided. Collection method: clinical testing. Allele origin: germline.
Comment: The KIDINS220 c.313T>G variant is predicted to result in the amino acid substitution p.Trp105Gly. To our knowledge, this variant has not been reported in the literature or in a large population database, indicating this variant is rare. At this time, the clinical significance of this variant is uncertain due to the absence of conclusive functional and genetic evidence.